The following is an entry in ClinVar:

NM_001378030.1(CCDC78):c.1200+14_1200+18del

Gene: CCDC78 (coiled-coil domain containing 78; minus strand). Cytogenetic location: 16p13.3.
Variant type: Deletion.
Coding change: c.1200+14_1200+18del on transcript NM_001378030.1 (MANE Select); bases 14 to 18 of the intron after coding-DNA position 1200, 5 bases deleted (GCTGG; older notation c.1200+14_1200+18delGCTGG).
Molecular consequence: intron variant. On other transcripts: non-coding transcript variant (1).
Genome position (GRCh38, 1-based): chr16:723,077-723,081, CCAGC deleted on the plus strand (GCTGG on the coding strand, the reverse complement: CCDC78 is on the minus strand); deleting any 5 consecutive bases within chr16:723,077-723,083 gives the same sequence; the c. name uses the placement nearest the transcript's 3' end. VCF-style (leftmost placement, unchanged base first): chr16-723076-GCCAGC-G. GRCh37 (hg19) VCF-style: chr16-773076-GCCAGC-G.
Other names: c.633+14_633+18del (NM_001378033.1); c.1020+14_1020+18del (NM_001378031.1); c.1200+14_1200+18del (NM_001031737.3).
Identifiers: ClinVar variation 1962487 (VCV001962487.5), dbSNP rs2543940100, ClinGen allele CA2580090900.
Genomic context (GRCh38, chr16:723,076, plus strand): 5'-GCTCTGCCTGGCATGGGGATGTAAGCCATGAGCTGGGGCATGGCGTGAGGATGGGCCTGG[GCCAGC>G]CCTTGCCTCCTACCTGGGTGCTGCGGGAGAAGTCCCGGAGCTTCTGGTGGATCTGGGCCC-3'

ClinVar aggregate classification (germline): Uncertain significance (1 of 4 stars; one submission).

Conditions:
Congenital myopathy with internal nuclei and atypical cores. Also called: Myopathy, centronuclear, 4. Identifiers: Orphanet 319160, MedGen C4707232, MONDO:0013890, OMIM 614807.

Submission:

Labcorp Genetics (formerly Invitae), Labcorp
Classification: Uncertain significance for Congenital myopathy with internal nuclei and atypical cores. Last evaluated: 2022-08-30. Review status: criteria provided, single submitter. Criteria: Invitae Variant Classification Sherloc (09022015). Collection method: clinical testing. Allele origin: germline.
Comment: This sequence change falls in intron 12 of the CCDC78 gene. It does not directly change the encoded amino acid sequence of the CCDC78 protein. This variant is not present in population databases (gnomAD no frequency). In summary, the available evidence is currently insufficient to determine the role of this variant in disease. Therefore, it has been classified as a Variant of Uncertain Significance. Algorithms developed to predict the effect of sequence changes on RNA splicing suggest that this variant may disrupt the consensus splice site. This variant has not been reported in the literature in individuals affected with CCDC78-related conditions.